The following is an entry in ClinVar:

ClinVar aggregate classification (germline): Benign. Review status: criteria provided, multiple submitters, no conflicts (2 of 4 stars). 2 submissions from 2 submitters: Benign (2). Last evaluated 2018-01-13.

Conditions:
Bardet-Biedl syndrome 1 (BBS1). Identifiers: MedGen C2936862, MONDO:0008854, OMIM 209900. Disease mechanism: loss of function.

Allele frequency attached by ClinVar (database versions not stated): 1000 Genomes Project 30x 0.00937; TOPMed 0.02423; gnomAD 0.02701 and 0.02625; 1000 Genomes Project 0.01038; gnomAD exomes 0.02496.
gnomAD v4.1: 4,689 of 179,734 alleles (2.6%); highest among the groups gnomAD compares: Non-Finnish European, 3.8%; 89 homozygotes.

Submissions (2):

Illumina Laboratory Services, Illumina
Classification: Benign for Bardet-Biedl syndrome 1. Last evaluated: 2018-01-13. Review status: criteria provided, single submitter. Criteria: ICSL Variant Classification Criteria 13 December 2019. Collection method: clinical testing. Allele origin: germline.
Comment: This variant was observed in the ICSL laboratory as part of a predisposition screen in an ostensibly healthy population. It had not been previously curated by ICSL or reported in the Human Gene Mutation Database (HGMD: prior to June 1st, 2018), and was therefore a candidate for classification through an automated scoring system. Utilizing variant allele frequency, disease prevalence and penetrance estimates, and inheritance mode, an automated score was calculated to assess if this variant is too frequent to cause the disease. Based on the score and internal cut-off values, a variant classified as benign is not then subjected to further curation. The score for this variant resulted in a classification of benign for this disease.

Breakthrough Genomics
Classification: Benign. Review status: criteria provided, single submitter. Criteria: ACMG Guidelines, 2015. Collection method: not provided. Allele origin: germline. Inheritance: Autosomal recessive inheritance. Affected: yes.

NM_024649.5(BBS1):c.*428G>C

Genes: BBS1 (Bardet-Biedl syndrome 1; plus strand), ZDHHC24 (zDHHC palmitoyltransferase 24; minus strand). Cytogenetic location: 11q13.2.
Variant type: single nucleotide variant.
Coding change: c.*428G>C on transcript NM_024649.5 (MANE Select); 428 bases downstream of the stop codon, G replaced by C.
Molecular consequence: 3 prime UTR variant. On other transcripts: intron variant (1).
Genome position (GRCh38, 1-based): chr11:66,532,465, G>C. VCF-style: chr11-66532465-G-C. GRCh37 (hg19) VCF-style: chr11-66299936-G-C.
Other names: c.560-2977C>G (NM_001348571.2).
Identifiers: ClinVar variation 305476 (VCV000305476.8), dbSNP rs41302425, ClinGen allele CA10631281.
Genomic context (GRCh38, chr11:66,532,465, plus strand): 5'-CTCATCTCCTGCTGCAGGCCAAGGCCAAAATTGGGCTAGTCCTGGCCAGGGAAATCAGAA[G>C]CTCTTCTTGGGTGAGATTGAGCCTCCTGTTGCTCCCTGGAGTTCCGGAGGCTGGGCTGCA-3'